The following is an entry in ClinVar:

ClinVar aggregate classification (germline): Uncertain significance. Review status: criteria provided, multiple submitters, no conflicts (2 of 4 stars). 3 submissions from 3 submitters: Uncertain significance (3). Last evaluated 2025-10-22.

Conditions:
RECQL4-related disorder. Also called: RECQL4-related disorders; RECQL4-related condition.
Inborn genetic diseases. Identifiers: MedGen C0950123, MeSH D030342.
Baller-Gerold syndrome (BGS). Also called: CRANIOSYNOSTOSIS WITH RADIAL DEFECTS. Identifiers: Orphanet 1225, MedGen C0265308, MONDO:0009039, OMIM 218600.

Allele frequency attached by ClinVar (database versions not stated): ExAC 0.00001; gnomAD 0.00001; TOPMed 0.00003; ESP Exome Variant Server 0.00008.
gnomAD v4.1: 22 of 1,609,272 alleles (0.0014%); highest among the groups gnomAD compares: East Asian, 0.0022%; no homozygotes.

Submissions (3):

PreventionGenetics, part of Exact Sciences
Classification: Uncertain significance for RECQL4-related condition. Last evaluated: 2025-10-22. Review status: criteria provided, single submitter. Criteria: ACMG Guidelines, 2015. Collection method: clinical testing. Allele origin: germline.
Comment: The RECQL4 c.2257C>T variant is predicted to result in the amino acid substitution p.Arg753Trp. To our knowledge, this variant has not been reported in the literature. This variant is reported in 0.0056% of alleles in individuals of East Asian descent in gnomAD. At this time, the clinical significance of this variant is uncertain due to the absence of conclusive functional and genetic evidence.

Labcorp Genetics (formerly Invitae), Labcorp
Classification: Uncertain significance for Baller-Gerold syndrome. Last evaluated: 2024-11-28. Review status: criteria provided, single submitter. Criteria: Invitae Variant Classification Sherloc (09022015). Collection method: clinical testing. Allele origin: germline.
Comment: This sequence change replaces arginine, which is basic and polar, with tryptophan, which is neutral and slightly polar, at codon 753 of the RECQL4 protein (p.Arg753Trp). The frequency data for this variant in the population databases is considered unreliable, as metrics indicate poor data quality at this position in the gnomAD database. This variant has not been reported in the literature in individuals affected with RECQL4-related conditions. ClinVar contains an entry for this variant (Variation ID: 406998). Invitae Evidence Modeling of protein sequence and biophysical properties (such as structural, functional, and spatial information, amino acid conservation, physicochemical variation, residue mobility, and thermodynamic stability) indicates that this missense variant is expected to disrupt RECQL4 protein function with a positive predictive value of 80%. In summary, the available evidence is currently insufficient to determine the role of this variant in disease. Therefore, it has been classified as a Variant of Uncertain Significance.

Ambry Genetics
Classification: Uncertain significance for Inborn genetic diseases. Last evaluated: 2024-11-18. Review status: criteria provided, single submitter. Criteria: Ambry Variant Classification Scheme 2023. Collection method: clinical testing. Allele origin: germline.
Comment: The p.R753W variant (also known as c.2257C>T), located in coding exon 14 of the RECQL4 gene, results from a C to T substitution at nucleotide position 2257. The arginine at codon 753 is replaced by tryptophan, an amino acid with dissimilar properties. This amino acid position is conserved. In addition, this alteration is predicted to be deleterious by in silico analysis. Based on the available evidence, the clinical significance of this variant remains unclear.

NM_004260.4(RECQL4):c.2257C>T (p.Arg753Trp)

Gene: RECQL4 (RecQ like helicase 4; minus strand). Cytogenetic location: 8q24.3.
Variant type: single nucleotide variant.
Coding change: c.2257C>T on transcript NM_004260.4 (MANE Select); coding-DNA position 2257, C replaced by T.
Protein change: p.Arg753Trp; replaces arginine 753 with tryptophan.
Molecular consequence: missense variant.
Genome position (GRCh38, 1-based): chr8:144,513,424, G>A on the plus strand (C>T on the coding strand, the complement: RECQL4 is on the minus strand). VCF-style: chr8-144513424-G-A. GRCh37 (hg19) VCF-style: chr8-145738808-G-A.
Other names: short protein forms R753W.
Identifiers: ClinVar variation 406998 (VCV000406998.9), dbSNP rs367570292, ClinGen allele CA4948361.